The following is an entry in ClinVar:

NM_001035.3(RYR2):c.2009A>G (p.Tyr670Cys)

Gene: RYR2 (ryanodine receptor 2; plus strand). Cytogenetic location: 1q43.
Variant type: single nucleotide variant.
Coding change: c.2009A>G on transcript NM_001035.3 (MANE Select); coding-DNA position 2009, A replaced by G.
Protein change: p.Tyr670Cys; replaces tyrosine 670 with cysteine.
Molecular consequence: missense variant.
Genome position (GRCh38, 1-based): chr1:237,496,558, A>G. VCF-style: chr1-237496558-A-G. GRCh37 (hg19) VCF-style: chr1-237659858-A-G.
Other names: c.2009A>G (NM_001035.2); short protein forms Y670C.
Identifiers: ClinVar variation 1677732 (VCV001677732.5), dbSNP rs571828296, ClinGen allele CA085942.

ClinVar aggregate classification (germline): Uncertain significance. Review status: criteria provided, multiple submitters, no conflicts (2 of 4 stars). 4 submissions from 4 submitters: Uncertain significance (4). Last evaluated 2024-11-13.

Conditions:
Cardiovascular phenotype. Identifiers: MedGen CN230736.
Catecholaminergic polymorphic ventricular tachycardia 1. Also called: VENTRICULAR TACHYCARDIA, STRESS-INDUCED POLYMORPHIC 1; VENTRICULAR TACHYCARDIA, CATECHOLAMINERGIC POLYMORPHIC, 1, WITH OR WITHOUT ATRIAL DYSFUNCTION AND/OR DILATED CARDIOMYOPATHY; RYR2-Related Catecholaminergic Polymorphic Ventricular Tachycardia. Identifiers: Orphanet 3286, MedGen C1631597, MONDO:0011484, OMIM 604772.
Cardiomyopathy (CMYO). Also called: Cardiomyopathies. Identifiers: Orphanet 167848, MedGen C0878544, MONDO:0004994, HP:0001638. Inheritance: Various modes of inheritance.

Allele frequency attached by ClinVar (database versions not stated): gnomAD exomes below 0.00001 and 0.00001; ExAC 0.00001; gnomAD 0.00001; TOPMed 0.00001; 1000 Genomes Project 30x 0.00016; 1000 Genomes Project 0.00020.
gnomAD v4.1: 4 of 1,614,040 alleles (0.00025%); highest among the groups gnomAD compares: South Asian, 0.0033%; no homozygotes.

Submissions (4):

Color Diagnostics, LLC DBA Color Health
Classification: Uncertain significance for Cardiomyopathy. Last evaluated: 2024-11-13. Review status: criteria provided, single submitter. Criteria: ACMG Guidelines, 2015. Collection method: clinical testing. Allele origin: germline.
Comment: This missense variant replaces tyrosine with cysteine at codon 670 of the RYR2 protein. Computational prediction suggests that this variant may have deleterious impact on protein structure and function. To our knowledge, functional studies have not been reported for this variant. This variant has not been reported in individuals affected with RYR2-related disorders in the literature. This variant has been identified in 1/249274 chromosomes in the general population by the Genome Aggregation Database (gnomAD). The available evidence is insufficient to determine the role of this variant in disease conclusively. Therefore, this variant is classified as a Variant of Uncertain Significance.

Labcorp Genetics (formerly Invitae), Labcorp
Classification: Uncertain significance for Catecholaminergic polymorphic ventricular tachycardia 1. Last evaluated: 2024-05-04. Review status: criteria provided, single submitter. Criteria: Invitae Variant Classification Sherloc (09022015). Collection method: clinical testing. Allele origin: germline.
Comment: This sequence change replaces tyrosine, which is neutral and polar, with cysteine, which is neutral and slightly polar, at codon 670 of the RYR2 protein (p.Tyr670Cys). This variant is present in population databases (rs571828296, gnomAD 0.003%). This variant has not been reported in the literature in individuals affected with RYR2-related conditions. ClinVar contains an entry for this variant (Variation ID: 1677732). Advanced modeling of protein sequence and biophysical properties (such as structural, functional, and spatial information, amino acid conservation, physicochemical variation, residue mobility, and thermodynamic stability) performed at Invitae indicates that this missense variant is expected to disrupt RYR2 protein function with a positive predictive value of 95%. In summary, the available evidence is currently insufficient to determine the role of this variant in disease. Therefore, it has been classified as a Variant of Uncertain Significance.

Ambry Genetics
Classification: Uncertain significance for Cardiovascular phenotype. Last evaluated: 2023-09-15. Review status: criteria provided, single submitter. Criteria: Ambry Variant Classification Scheme 2023. Collection method: clinical testing. Allele origin: germline.
Comment: The p.Y670C variant (also known as c.2009A>G), located in coding exon 20 of the RYR2 gene, results from an A to G substitution at nucleotide position 2009. The tyrosine at codon 670 is replaced by cysteine, an amino acid with highly dissimilar properties. This amino acid position is highly conserved in available vertebrate species. In addition, this alteration is predicted to be deleterious by in silico analysis. Since supporting evidence is limited at this time, the clinical significance of this alteration remains unclear.

AiLife Diagnostics
Classification: Uncertain significance. Last evaluated: 2021-12-27. Review status: criteria provided, single submitter. Criteria: ACMG Guidelines, 2015. Collection method: clinical testing. Allele origin: germline. Affected: yes. Observed: 1 variant allele.